The following is an entry in ClinVar:

NM_198253.3(TERT):c.2075C>T (p.Thr692Ile)

Gene: TERT (telomerase reverse transcriptase; minus strand). Cytogenetic location: 5p15.33.
Variant type: single nucleotide variant.
Coding change: c.2075C>T on transcript NM_198253.3 (MANE Select); coding-DNA position 2075, C replaced by T.
Protein change: p.Thr692Ile; replaces threonine 692 with isoleucine.
Molecular consequence: missense variant. On other transcripts: non-coding transcript variant (2).
Genome position (GRCh38, 1-based): chr5:1,279,346, G>A on the plus strand (C>T on the coding strand, the complement: TERT is on the minus strand). VCF-style: chr5-1279346-G-A. GRCh37 (hg19) VCF-style: chr5-1279461-G-A.
Other names: c.2075C>T, p.Thr692Ile (NM_001193376.3); short protein forms T692I.
Identifiers: ClinVar variation 410682 (VCV000410682.9), dbSNP rs1060503005, ClinGen allele CA16611698.
Genomic context (GRCh38, chr5:1,279,346, plus strand): 5'-CCCACCTTGACAAAGTACAGCTCAGGCGGCGGGTCCTGGGCCCGCACACGCAGCACGAAG[G>A]TGCGCCAGGCCCTGTGGATATCGTCCAGGCCCAGCACAGAGGCGCCCAGGAGGCCGGGGC-3'
Protein context (NP_937983.2, residues 682-702): GLDDIHRAWR[Thr692Ile]FVLRVRAQDP

ClinVar aggregate classification (germline): Uncertain significance (1 of 4 stars; one submission).

Conditions:
Dyskeratosis congenita, autosomal dominant 2. Identifiers: MedGen C3151443, MONDO:0013521, OMIM 613989.
Idiopathic Pulmonary Fibrosis. Also called: Idiopathic fibrosing alveolitis, chronic form; idiopathic fibrosing alveolitis. Identifiers: Orphanet 2032, MedGen C1800706, MeSH D054990, MONDO:0800504.

Submission:

Labcorp Genetics (formerly Invitae), Labcorp
Classification: Uncertain significance for Dyskeratosis congenita, autosomal dominant 2; Idiopathic Pulmonary Fibrosis. Last evaluated: 2022-03-05. Review status: criteria provided, single submitter. Criteria: Invitae Variant Classification Sherloc (09022015). Collection method: clinical testing. Allele origin: germline.
Comment: This sequence change replaces threonine, which is neutral and polar, with isoleucine, which is neutral and non-polar, at codon 692 of the TERT protein (p.Thr692Ile). This variant is not present in population databases (gnomAD no frequency). This variant has not been reported in the literature in individuals affected with TERT-related conditions. ClinVar contains an entry for this variant (Variation ID: 410682). Advanced modeling of protein sequence and biophysical properties (such as structural, functional, and spatial information, amino acid conservation, physicochemical variation, residue mobility, and thermodynamic stability) performed at Invitae indicates that this missense variant is not expected to disrupt TERT protein function. In summary, the available evidence is currently insufficient to determine the role of this variant in disease. Therefore, it has been classified as a Variant of Uncertain Significance.